The following is an entry in ClinVar:

NM_001198906.2(YY1AP1):c.2T>A (p.Met1Lys)

Genes: DAP3 (death associated protein 3; plus strand), YY1AP1 (YY1 associated protein 1; minus strand). Cytogenetic location: 1q22.
Variant type: single nucleotide variant.
Coding change: c.2T>A on transcript NM_001198906.2; coding-DNA position 2, T replaced by A.
Protein change: p.Met1Lys; changes the start codon (methionine 1).
Molecular consequence: missense variant, initiator codon variant. On other transcripts: 5 prime UTR variant (2).
Genome position (GRCh38, 1-based): chr1:155,688,975, A>T on the plus strand (T>A on the coding strand, the complement: YY1AP1 is on the minus strand). VCF-style: chr1-155688975-A-T. GRCh37 (hg19) VCF-style: chr1-155658766-A-T.
Other names: c.-66T>A (NM_001198901.2); c.2T>A, p.Met1Lys (NM_139118.3); c.-420T>A (NM_139121.3); short protein forms M1K.
Identifiers: ClinVar variation 3075820 (VCV003075820.3), dbSNP rs147058489, ClinGen allele CA1149102.
Genomic context (GRCh38, chr1:155,688,975, plus strand): 5'-CCCATGACAACCTACCTCCCTGGGTTCGTCGCCGCGGCGCTGCGGCTCGCCTCCTCCTCC[A>T]TGGGACCGCGGCGAGGGGATCGAGGGCGGCCTAGCGCCCCTCTGCCGGCCGGTGGTTGGA-3'

ClinVar aggregate classification (germline): Conflicting classifications of pathogenicity. Review status: criteria provided, conflicting classifications (1 of 4 stars). 3 submissions from 3 submitters: Uncertain significance (1); Benign (1); Likely benign (1). Last evaluated 2025-11-05.

Conditions:
YY1AP1-related disorder. Also called: YY1AP1-related condition.

Allele frequency attached by ClinVar (database versions not stated): ExAC 0.00119; ESP Exome Variant Server 0.00185; 1000 Genomes Project 0.00339; 1000 Genomes Project 30x 0.00359.
gnomAD v4.1: 900 of 1,607,234 alleles (0.056%); highest among the groups gnomAD compares: African/African-American, 0.51%; 3 homozygotes.

Submissions (3):

PreventionGenetics, part of Exact Sciences
Classification: Likely benign for YY1AP1-related condition. Last evaluated: 2025-11-05. Review status: criteria provided, single submitter. Criteria: ACMG Guidelines, 2015. Collection method: clinical testing. Allele origin: germline.
Comment: This variant is classified as likely benign based on ACMG/AMP sequence variant interpretation guidelines (Richards et al. 2015 PMID: 25741868, with internal and published modifications).

Blueprint Genetics
Classification: Uncertain significance. Last evaluated: 2024-10-18. Review status: criteria provided, single submitter. Criteria: ACMG Guidelines, 2015. Collection method: clinical testing. Allele origin: germline.

Laboratory for Molecular Medicine, Mass General Brigham Personalized Medicine
Classification: Benign. Last evaluated: 2020-08-24. Review status: criteria provided, single submitter. Criteria: ACMG Guidelines, 2015. Collection method: clinical testing. Allele origin: germline.
Comment: The p.Met1? variant in YY1AP1 on transcript NM_139118.2 is classified as benign because it has been identified in 0.552% (129/23368) of African chromosomes by gnomAD. ACMG/AMP Criteria applied: BA1.